The following is an entry in ClinVar:

ClinVar aggregate classification (germline): Uncertain significance (1 of 4 stars; one submission).

Submission:

CeGaT Center for Human Genetics Tuebingen
Classification: Uncertain significance. Last evaluated: 2025-01-01. Review status: criteria provided, single submitter. Criteria: CeGaT Center For Human Genetics Tuebingen Variant Classification Criteria Version 2. Collection method: clinical testing. Allele origin: germline. Affected: yes. Observed: 1 variant allele.
Comment: CRTAP: PM2

NM_006371.5(CRTAP):c.540G>A (p.Met180Ile)

Gene: CRTAP (cartilage associated protein; plus strand). Cytogenetic location: 3p22.3.
Variant type: single nucleotide variant.
Coding change: c.540G>A on transcript NM_006371.5 (MANE Select); coding-DNA position 540, G replaced by A.
Protein change: p.Met180Ile; replaces methionine 180 with isoleucine.
Molecular consequence: missense variant. On other transcripts: intron variant (1).
Genome position (GRCh38, 1-based): chr3:33,120,412, G>A. VCF-style: chr3-33120412-G-A. GRCh37 (hg19) VCF-style: chr3-33161904-G-A.
Other names: c.540G>A, p.Met180Ile (NM_001393363.1, NM_001393364.1); c.472-3996G>A (NM_001393365.1); short protein forms M180I.
Identifiers: ClinVar variation 3771601 (VCV003771601.13).